The following is an entry in ClinVar:

NM_006178.4(NSF):c.1790T>C (p.Leu597Pro)

Genes: NSF (N-ethylmaleimide sensitive factor, vesicle fusing ATPase; plus strand), LRRC37A2 (leucine rich repeat containing 37 member A2). Cytogenetic location: 17q21.31.
Variant type: single nucleotide variant.
Coding change: c.1790T>C on transcript NM_006178.4 (MANE Select); coding-DNA position 1790, T replaced by C.
Protein change: p.Leu597Pro; replaces leucine 597 with proline.
Molecular consequence: missense variant. On other transcripts: non-coding transcript variant (1).
Genome position (GRCh38, 1-based): chr17:46,726,577, T>C. VCF-style: chr17-46726577-T-C. GRCh37 (hg19) VCF-style: chr17-44803943-T-C.
Other names: short protein forms L597P.
Identifiers: ClinVar variation 3769904 (VCV003769904.1).

ClinVar aggregate classification (germline): Uncertain significance (1 of 4 stars; one submission).

Submission:

GeneDx
Classification: Uncertain significance. Last evaluated: 2024-05-03. Review status: criteria provided, single submitter. Criteria: GeneDx Variant Classification Process June 2021. Collection method: clinical testing. Allele origin: germline. Affected: yes.
Comment: In silico analysis supports that this missense variant has a deleterious effect on protein structure/function; Not observed at significant frequency in large population cohorts (gnomAD); Has not been previously published as pathogenic or benign to our knowledge; Variants in candidate genes are classified as variants of uncertain significance in accordance with ACMG guidelines (PMID: 25741868)